The following is an entry in ClinVar:

NM_001943.5(DSG2):c.1501G>C (p.Glu501Gln)

Gene: DSG2 (desmoglein 2; plus strand). Cytogenetic location: 18q12.1.
Variant type: single nucleotide variant.
Coding change: c.1501G>C on transcript NM_001943.5 (MANE Select); coding-DNA position 1501, G replaced by C.
Protein change: p.Glu501Gln; replaces glutamic acid 501 with glutamine.
Molecular consequence: missense variant.
Genome position (GRCh38, 1-based): chr18:31,536,279, G>C. VCF-style: chr18-31536279-G-C. GRCh37 (hg19) VCF-style: chr18-29116242-G-C.
Other names: short protein forms E501Q.
Identifiers: ClinVar variation 1353567 (VCV001353567.8), dbSNP rs1567930737, ClinGen allele CA402141497.
Genomic context (GRCh38, chr18:31,536,279, plus strand): 5'-ATCACTGGCACAGTCCTTATCAATGTTGAAGACATCAACGACAACTGTCCCACACTGATA[G>C]AGCCTGTGCAGACAATCTGTCACGATGCAGAGTATGTGAATGTTACTGCAGAGGACCTGG-3'
Protein context (NP_001934.2, residues 491-511): DINDNCPTLI[Glu501Gln]PVQTICHDAE

ClinVar aggregate classification (germline): Uncertain significance (1 of 4 stars; one submission).

Conditions:
Arrhythmogenic right ventricular dysplasia 10. Also called: ARRHYTHMOGENIC RIGHT VENTRICULAR DYSPLASIA, FAMILIAL, 10; Arrhythmogenic right ventricular dysplasia/cardiomyopathy, type 10; Arrhythmogenic Right Ventricular Dysplasia/Cardiomyopathy10. Identifiers: MedGen C1857777, MONDO:0012434, OMIM 610193.

Submission:

Labcorp Genetics (formerly Invitae), Labcorp
Classification: Uncertain significance for Arrhythmogenic right ventricular dysplasia 10. Last evaluated: 2024-06-30. Review status: criteria provided, single submitter. Criteria: Invitae Variant Classification Sherloc (09022015). Collection method: clinical testing. Allele origin: germline.
Comment: This sequence change replaces glutamic acid, which is acidic and polar, with glutamine, which is neutral and polar, at codon 501 of the DSG2 protein (p.Glu501Gln). This variant is not present in population databases (gnomAD no frequency). This variant has not been reported in the literature in individuals affected with DSG2-related conditions. ClinVar contains an entry for this variant (Variation ID: 1353567). Advanced modeling of protein sequence and biophysical properties (such as structural, functional, and spatial information, amino acid conservation, physicochemical variation, residue mobility, and thermodynamic stability) performed at Invitae indicates that this missense variant is not expected to disrupt DSG2 protein function with a negative predictive value of 95%. In summary, the available evidence is currently insufficient to determine the role of this variant in disease. Therefore, it has been classified as a Variant of Uncertain Significance.